The following is an entry in ClinVar:

NM_015041.3(CLUAP1):c.478A>G (p.Met160Val)

Gene: CLUAP1 (clusterin associated protein 1; plus strand). Cytogenetic location: 16p13.3.
Variant type: single nucleotide variant.
Coding change: c.478A>G on transcript NM_015041.3 (MANE Select); coding-DNA position 478, A replaced by G.
Protein change: p.Met160Val; replaces methionine 160 with valine.
Molecular consequence: missense variant. On other transcripts: intron variant (1).
Genome position (GRCh38, 1-based): chr16:3,512,461, A>G. VCF-style: chr16-3512461-A-G. GRCh37 (hg19) VCF-style: chr16-3562461-A-G.
Other names: c.478A>G, p.Met160Val (NM_001330454.2); c.-4+2492A>G (NM_024793.3); short protein forms M160V.
Identifiers: ClinVar variation 2965894 (VCV002965894.3), dbSNP rs2037647811, ClinGen allele CA394512830.

ClinVar aggregate classification (germline): Uncertain significance (1 of 4 stars; one submission).

Allele frequency attached by ClinVar (database versions not stated): gnomAD 0.00001; TOPMed 0.00004.

Submission:

Labcorp Genetics (formerly Invitae), Labcorp
Classification: Uncertain significance. Last evaluated: 2025-09-14. Review status: criteria provided, single submitter. Criteria: Invitae Variant Classification Sherloc (09022015). Collection method: clinical testing. Allele origin: germline.
Comment: This sequence change replaces methionine, which is neutral and non-polar, with valine, which is neutral and non-polar, at codon 160 of the CLUAP1 protein (p.Met160Val). This variant is not present in population databases (gnomAD no frequency). This variant has not been reported in the literature in individuals affected with CLUAP1-related conditions. ClinVar contains an entry for this variant (Variation ID: 2965894). Invitae Evidence Modeling of protein sequence and biophysical properties (such as structural, functional, and spatial information, amino acid conservation, physicochemical variation, residue mobility, and thermodynamic stability) indicates that this missense variant is not expected to disrupt CLUAP1 protein function with a negative predictive value of 80%. In summary, the available evidence is currently insufficient to determine the role of this variant in disease. Therefore, it has been classified as a Variant of Uncertain Significance.